The following is an entry in ClinVar:

ClinVar aggregate classification (germline): Conflicting classifications of pathogenicity. Review status: criteria provided, conflicting classifications (1 of 4 stars). 4 submissions from 4 submitters: Uncertain significance (2); Likely benign (2). Last evaluated 2026-02-18.

Conditions:
Eichsfeld type congenital muscular dystrophy (CMYO3). Also called: Rigid spine muscular dystrophy 1; MYOPATHY, SEPN1-RELATED; SELENON-related myopathy; Congenital myopathy 3 with rigid spine. Identifiers: MedGen C0410180, MONDO:0100100, OMIM 602771.

Allele frequency attached by ClinVar (database versions not stated): TOPMed 0.00006; ESP Exome Variant Server 0.00016; gnomAD 0.00040 and 0.00044; ExAC 0.00045; gnomAD exomes 0.00049.

Submissions (4):

GeneDx
Classification: Uncertain significance. Last evaluated: 2026-02-18. Review status: criteria provided, single submitter. Criteria: GeneDx Variant Classification Process June 2021. Collection method: clinical testing. Allele origin: germline.
Comment: In silico analysis suggests that this missense variant does not alter protein structure/function; Has not been previously published as pathogenic or benign to our knowledge; In silico analysis is inconclusive as to whether the variant alters gene splicing. In the absence of RNA/functional studies, the actual effect of this sequence change is unknown.

Mayo Clinic Laboratories, Mayo Clinic
Classification: Likely benign. Last evaluated: 2025-12-03. Review status: criteria provided, single submitter. Criteria: ACMG Guidelines, 2015. Collection method: clinical testing. Allele origin: germline. Observed: 1 variant allele.
Comment: BP4

Blueprint Genetics
Classification: Uncertain significance. Last evaluated: 2024-09-17. Review status: criteria provided, single submitter. Criteria: ACMG Guidelines, 2015. Collection method: clinical testing. Allele origin: germline.

Labcorp Genetics (formerly Invitae), Labcorp
Classification: Likely benign for Eichsfeld type congenital muscular dystrophy. Last evaluated: 2024-06-12. Review status: criteria provided, single submitter. Criteria: Invitae Variant Classification Sherloc (09022015). Collection method: clinical testing. Allele origin: germline.

NM_206926.2(SELENON):c.805G>A (p.Asp269Asn)

Gene: SELENON (selenoprotein N; plus strand). Cytogenetic location: 1p36.11.
Variant type: single nucleotide variant.
Coding change: c.805G>A on transcript NM_206926.2 (MANE Select); coding-DNA position 805, G replaced by A.
Protein change: p.Asp269Asn; replaces aspartic acid 269 with asparagine.
Molecular consequence: missense variant.
Genome position (GRCh38, 1-based): chr1:25,809,717, G>A. VCF-style: chr1-25809717-G-A. GRCh37 (hg19) VCF-style: chr1-26136208-G-A.
Other names: p.Asp303Asn; c.907G>A, p.Asp303Asn (NM_020451.3); c.907G>A (NM_020451.2); short protein forms D269N, D303N.
Identifiers: ClinVar variation 1146801 (VCV001146801.12), dbSNP rs200712993, ClinGen allele CA696683.
Genomic context (GRCh38, chr1:25,809,717, plus strand): 5'-GGTGCAGCAGATCCCCTTCCCCACAGGATCCATGCCGAGTTCCAGCTCAGTGAGCCGCCC[G>A]ACTTCCCCTTTTGGTTCTCCCCTGCTCAGTTCACCGGCCACATCATCCTCTCCAAAGACG-3'
Protein context (NP_996809.1, residues 259-279): HAEFQLSEPP[Asp269Asn]FPFWFSPAQF